The following is an entry in ClinVar:

ClinVar aggregate classification (germline): Likely benign. Review status: criteria provided, multiple submitters, no conflicts (2 of 4 stars). 5 submissions from 5 submitters: Likely benign (5). Last evaluated 2026-01-31.

Conditions:
Hereditary cancer-predisposing syndrome. Also called: Neoplastic Syndromes, Hereditary; Hereditary Cancer Syndrome; Tumor predisposition; Hereditary neoplastic syndrome. Identifiers: Orphanet 140162, MedGen C0027672, MeSH D009386, MONDO:0015356.

Allele frequency attached by ClinVar (database versions not stated): gnomAD 0.00002 and 0.00003; TOPMed 0.00003; ExAC 0.00005; gnomAD exomes 0.00005; ESP Exome Variant Server 0.00008.

Submissions (5):

Labcorp Genetics (formerly Invitae), Labcorp
Classification: Likely benign. Last evaluated: 2026-01-31. Review status: criteria provided, single submitter. Criteria: Invitae Variant Classification Sherloc (09022015). Collection method: clinical testing. Allele origin: germline.

Blueprint Genetics
Classification: Likely benign. Last evaluated: 2024-09-05. Review status: criteria provided, single submitter. Criteria: ACMG Guidelines, 2015. Collection method: clinical testing. Allele origin: germline.

Quest Diagnostics Nichols Institute San Juan Capistrano
Classification: Likely benign. Last evaluated: 2017-06-07. Review status: criteria provided, single submitter. Criteria: Quest Diagnostics criteria. Collection method: clinical testing. Allele origin: germline.

GeneDx
Classification: Likely benign. Last evaluated: 2017-01-24. Review status: criteria provided, single submitter. Criteria: GeneDx Variant Classification (06012015). Collection method: clinical testing. Allele origin: germline. Affected: yes.
Comment: This variant is considered likely benign or benign based on one or more of the following criteria: it is a conservative change, it occurs at a poorly conserved position in the protein, it is predicted to be benign by multiple in silico algorithms, and/or has population frequency not consistent with disease.

Ambry Genetics
Classification: Likely benign for Hereditary cancer-predisposing syndrome. Last evaluated: 2016-08-09. Review status: criteria provided, single submitter. Criteria: Ambry Variant Classification Scheme 2023. Collection method: clinical testing. Allele origin: germline.

NM_006231.4(POLE):c.1836C>T (p.Asp612=)

Gene: POLE (DNA polymerase epsilon, catalytic subunit; minus strand). Cytogenetic location: 12q24.33.
Variant type: single nucleotide variant.
Coding change: c.1836C>T on transcript NM_006231.4 (MANE Select); coding-DNA position 1836, C replaced by T.
Protein change: p.Asp612=; no amino-acid change (aspartic acid 612 retained).
Molecular consequence: synonymous variant.
Genome position (GRCh38, 1-based): chr12:132,668,898, G>A on the plus strand (C>T on the coding strand, the complement: POLE is on the minus strand). VCF-style: chr12-132668898-G-A. GRCh37 (hg19) VCF-style: chr12-133245484-G-A.
Identifiers: ClinVar variation 240407 (VCV000240407.18), dbSNP rs116456858, ClinGen allele CA6893802.